The following is an entry in ClinVar:

NM_182914.3(SYNE2):c.1248C>G (p.His416Gln)

Gene: SYNE2 (spectrin repeat containing nuclear envelope protein 2; plus strand). Cytogenetic location: 14q23.2.
Variant type: single nucleotide variant.
Coding change: c.1248C>G on transcript NM_182914.3 (MANE Select); coding-DNA position 1248, C replaced by G.
Protein change: p.His416Gln; replaces histidine 416 with glutamine.
Molecular consequence: missense variant.
Genome position (GRCh38, 1-based): chr14:63,976,682, C>G. VCF-style: chr14-63976682-C-G. GRCh37 (hg19) VCF-style: chr14-64443400-C-G.
Other names: c.1248C>G, p.His416Gln (NM_015180.6); short protein forms H416Q.
Identifiers: ClinVar variation 2436864 (VCV002436864.7), dbSNP rs372320901, ClinGen allele CA7219374.
Genomic context (GRCh38, chr14:63,976,682, plus strand): 5'-AGCTTGGCTCCAGGAGGTAGAAGAGCTTATGGATGAAGATTTGTCAGCCTCCCAGGATCA[C>G]TCTCAAGCCGTGACTCTGATACAAGAGAAAATGACTTTATTCAAGGTTGGAAAAGAAAAA-3'
Protein context (NP_878918.2, residues 406-426): MDEDLSASQD[His416Gln]SQAVTLIQEK

ClinVar aggregate classification (germline): Conflicting classifications of pathogenicity. Review status: criteria provided, conflicting classifications (1 of 4 stars). 4 submissions from 4 submitters: Uncertain significance (3); Likely benign (1). Last evaluated 2025-09-16.

Conditions:
Emery-Dreifuss muscular dystrophy 5, autosomal dominant (EDMD5). Also called: EMERY-DREIFUSS MUSCULAR DYSTROPHY 5. Identifiers: Orphanet 261, MedGen C2751805, MONDO:0013072, OMIM 612999.

Allele frequency attached by ClinVar (database versions not stated): ExAC 0.00001; gnomAD 0.00001; TOPMed 0.00001; gnomAD exomes 0.00003; ESP Exome Variant Server 0.00008.
gnomAD v4.1: 45 of 1,612,540 alleles (0.0028%); highest among the groups gnomAD compares: Non-Finnish European, 0.0036%; no homozygotes.

Submissions (4):

Women's Health and Genetics/Laboratory Corporation of America, LabCorp
Classification: Uncertain significance. Last evaluated: 2025-09-16. Review status: criteria provided, single submitter. Criteria: LabCorp Variant Classification Summary - May 2015. Collection method: clinical testing. Allele origin: germline.
Comment: Variant summary: SYNE2 c.1248C>G (p.His416Gln) results in a non-conservative amino acid change in the encoded protein sequence. Algorithms developed to predict the effect of missense changes on protein structure and function are either unavailable or do not agree on the potential impact of this missense change. The variant allele was found at a frequency of 8e-06 in 249514 control chromosomes. The available data on variant occurrences in the general population are insufficient to allow any conclusion about variant significance. To our knowledge, no occurrence of c.1248C>G in individuals affected with SYNE2-related conditions and no experimental evidence demonstrating its impact on protein function have been reported. ClinVar contains an entry for this variant (Variation ID: 2436864). Based on the evidence outlined above, the variant was classified as uncertain significance.

Laboratory of Genetics, Children's Clinical University Hospital Latvia
Classification: Likely benign. Last evaluated: 2025-02-16. Review status: criteria provided, single submitter. Criteria: ACMG Guidelines, 2015. Collection method: clinical testing. Allele origin: germline. Affected: yes.

Ambry Genetics
Classification: Uncertain significance. Last evaluated: 2023-08-22. Review status: criteria provided, single submitter. Criteria: Ambry Variant Classification Scheme 2023. Collection method: clinical testing. Allele origin: germline.

Revvity Omics, Revvity
Classification: Uncertain significance for Emery-Dreifuss muscular dystrophy 5, autosomal dominant. Last evaluated: 2019-08-20. Review status: criteria provided, single submitter. Criteria: ACMG Guidelines, 2015. Collection method: clinical testing. Allele origin: germline.